The following is an entry in ClinVar:

ClinVar aggregate classification (germline): Benign (1 of 4 stars; one submission).

Allele frequency attached by ClinVar (database versions not stated): 1000 Genomes Project 30x 0.62945; TOPMed 0.62967; 1000 Genomes Project 0.63299; gnomAD 0.64686; gnomAD exomes 0.69353.
gnomAD v4.1: 533,284 of 779,486 alleles (68%); highest among the groups gnomAD compares: South Asian, 74%; 183,921 homozygotes.

Submission:

Unidad de Genómica Garrahan, Hospital de Pediatría Garrahan
Classification: Benign. Last evaluated: 2023-11-12. Review status: criteria provided, single submitter. Criteria: ACMG Guidelines, 2015. Collection method: clinical testing. Allele origin: germline. Affected: no. Observed: 41 variant alleles.
Comment: This variant is classified as Benign based on local population frequency. This variant was detected in 43% of patients studied by a panel of primary immunodeficiencies. Number of patients: 41. Only high quality variants are reported.

NM_001374259.2(IL12RB2):c.1856-121A>G

Gene: IL12RB2 (interleukin 12 receptor subunit beta 2; plus strand). Cytogenetic location: 1p31.3.
Variant type: single nucleotide variant.
Coding change: c.1856-121A>G on transcript NM_001374259.2 (MANE Select); 121 bases into the intron before coding-DNA position 1856, A replaced by G.
Molecular consequence: intron variant.
Genome position (GRCh38, 1-based): chr1:67,386,458, A>G. VCF-style: chr1-67386458-A-G. GRCh37 (hg19) VCF-style: chr1-67852141-A-G.
Other names: c.1856-121A>G (NM_001258214.1, NM_001319233.1, NM_001559.3); c.1855+6335A>G (NM_001258216.1); c.1598-121A>G (NM_001258215.1).
Identifiers: ClinVar variation 2628200 (VCV002628200.2), dbSNP rs12138812, ClinGen allele CA10808589.
Genomic context (GRCh38, chr1:67,386,458, plus strand): 5'-AGAATTGGTCCCCTTAGGGTCCCATTTCCCGCACTGCATAGACAAAAGTGAATTTACCTT[A>G]TTCTTGAGCACAGCTGCCCAGGAACTGTGGGTAAGGCCCAGAGGGCGCATACACCAATCA-3'